The following is an entry in ClinVar:

NM_001291415.2(KDM6A):c.2748C>G (p.Ser916Arg)

Gene: KDM6A (lysine demethylase 6A; plus strand). Cytogenetic location: Xp11.3.
Variant type: single nucleotide variant.
Coding change: c.2748C>G on transcript NM_001291415.2 (MANE Select); coding-DNA position 2748, C replaced by G.
Protein change: p.Ser916Arg; replaces serine 916 with arginine.
Molecular consequence: missense variant. On other transcripts: non-coding transcript variant (1).
Genome position (GRCh38, 1-based): chrX:45,070,247, C>G. VCF-style: chrX-45070247-C-G. GRCh37 (hg19) VCF-style: chrX-44929492-C-G.
Other names: c.2613C>G, p.Ser871Arg (NM_001291416.2); c.2457C>G, p.Ser819Arg (NM_001291417.2); c.2355C>G, p.Ser785Arg (NM_001291418.2); c.1704C>G, p.Ser568Arg (NM_001291421.2); c.2490C>G, p.Ser830Arg (NM_001410742.1); c.2592C>G, p.Ser864Arg (NM_021140.4); short protein forms S568R, S864R, S785R, S819R, S830R, S916R, S871R.
Identifiers: ClinVar variation 2120719 (VCV002120719.4), dbSNP rs2148055355, ClinGen allele CA412795753.
Genomic context (GRCh38, chrX:45,070,247, plus strand): 5'-TAACAGCCCTCACAGTGGGCTACACACAATTAATGGAGAAGGGATGGAAGAATCTCAGAG[C>G]CCCATGAAAACAGATCTGCTTCTGGTTAACCACAAACCTAGTCCACAGATCATACCATCA-3'
Protein context (NP_001278344.1, residues 906-926): INGEGMEESQ[Ser916Arg]PMKTDLLLVN

ClinVar aggregate classification (germline): Uncertain significance (1 of 4 stars; one submission).

Conditions:
Kabuki syndrome 2 (KABUK2). Also called: KDM6A-Related Kabuki Syndrome. Identifiers: Orphanet 2322, MedGen C3275495, MONDO:0010465, OMIM 300867.

Submission:

Labcorp Genetics (formerly Invitae), Labcorp
Classification: Uncertain significance for Kabuki syndrome 2. Last evaluated: 2022-04-01. Review status: criteria provided, single submitter. Criteria: Invitae Variant Classification Sherloc (09022015). Collection method: clinical testing. Allele origin: germline.
Comment: This sequence change replaces serine, which is neutral and polar, with arginine, which is basic and polar, at codon 864 of the KDM6A protein (p.Ser864Arg). This variant is not present in population databases (gnomAD no frequency). This variant has not been reported in the literature in individuals affected with KDM6A-related conditions. Algorithms developed to predict the effect of missense changes on protein structure and function are either unavailable or do not agree on the potential impact of this missense change (SIFT: "Deleterious"; PolyPhen-2: "Probably Damaging"; Align-GVGD: "Class C15"). In summary, the available evidence is currently insufficient to determine the role of this variant in disease. Therefore, it has been classified as a Variant of Uncertain Significance.